The following is an entry in ClinVar:

ClinVar aggregate classification (germline): Likely benign (1 of 4 stars; one submission).

Conditions:
Familial colorectal cancer type X. Identifiers: Orphanet 440437, MedGen C3896578, MONDO:0018604.

Submission:

Myriad Genetics, Inc.
Classification: Likely benign for Familial colorectal cancer type X. Last evaluated: 2026-07-31. Review status: criteria provided, single submitter. Criteria: Myriad Autosomal Dominant, Autosomal Recessive and X-Linked Classification Criteria (2023). Collection method: clinical testing. Allele origin: unknown.
Comment: This variant is considered likely benign. This variant is intronic and is not expected to impact mRNA splicing.

NM_001146227.3(RPS20):c.334-14C>T

Gene: RPS20 (ribosomal protein S20; minus strand). Cytogenetic location: 8q12.1.
Variant type: single nucleotide variant.
Coding change: c.334-14C>T on transcript NM_001146227.3; 14 bases into the intron before coding-DNA position 334, C replaced by T.
Molecular consequence: intron variant.
Genome position (GRCh38, 1-based): chr8:56,069,847, G>A on the plus strand (C>T on the coding strand, the complement: RPS20 is on the minus strand). VCF-style: chr8-56069847-G-A. GRCh37 (hg19) VCF-style: chr8-56982406-G-A.
Identifiers: ClinVar variation 5042331 (VCV005042331.1).